The following is an entry in ClinVar:

NM_003705.5(SLC25A12):c.1081G>A (p.Gly361Ser)

Gene: SLC25A12 (solute carrier family 25 member 12; minus strand). Cytogenetic location: 2q31.1.
Variant type: single nucleotide variant.
Coding change: c.1081G>A on transcript NM_003705.5 (MANE Select); coding-DNA position 1081, G replaced by A.
Protein change: p.Gly361Ser; replaces glycine 361 with serine.
Molecular consequence: missense variant. On other transcripts: non-coding transcript variant (1).
Genome position (GRCh38, 1-based): chr2:171,813,429, C>T on the plus strand (G>A on the coding strand, the complement: SLC25A12 is on the minus strand). VCF-style: chr2-171813429-C-T. GRCh37 (hg19) VCF-style: chr2-172669939-C-T.
Other names: short protein forms G361S.
Identifiers: ClinVar variation 1430076 (VCV001430076.8), dbSNP rs1341653152, ClinGen allele CA349290266.

ClinVar aggregate classification (germline): Uncertain significance (1 of 4 stars; one submission).

Allele frequency attached by ClinVar (database versions not stated): TOPMed below 0.00001.

Submission:

Labcorp Genetics (formerly Invitae), Labcorp
Classification: Uncertain significance. Last evaluated: 2020-12-17. Review status: criteria provided, single submitter. Criteria: Invitae Variant Classification Sherloc (09022015). Collection method: clinical testing. Allele origin: germline.
Comment: This variant is not present in population databases (ExAC no frequency). Algorithms developed to predict the effect of missense changes on protein structure and function are either unavailable or do not agree on the potential impact of this missense change (SIFT: "Deleterious"; PolyPhen-2: "Possibly Damaging"; Align-GVGD: "Class C0"). This variant has not been reported in the literature in individuals with SLC25A12-related conditions. In summary, the available evidence is currently insufficient to determine the role of this variant in disease. Therefore, it has been classified as a Variant of Uncertain Significance. This sequence change replaces glycine with serine at codon 361 of the SLC25A12 protein (p.Gly361Ser). The glycine residue is highly conserved and there is a small physicochemical difference between glycine and serine.